The following is an entry in ClinVar:

ClinVar aggregate classification (germline): Benign/Likely benign. Review status: criteria provided, multiple submitters, no conflicts (2 of 4 stars). 3 submissions from 3 submitters: Benign (1); Likely benign (2). Last evaluated 2026-07-13.

Conditions:
Hereditary cancer-predisposing syndrome. Also called: Tumor predisposition; Neoplastic Syndromes, Hereditary; Hereditary Cancer Syndrome; Hereditary neoplastic syndrome. Identifiers: Orphanet 140162, MedGen C0027672, MeSH D009386, MONDO:0015356.
Rhabdoid tumor predisposition syndrome 2 (RTPS2). Identifiers: Orphanet 231108, Orphanet 69077, MedGen C2750074, MONDO:0013224, OMIM 613325.

Allele frequency attached by ClinVar (database versions not stated): gnomAD exomes below 0.00001.
gnomAD v4.1: 1 of 1,612,794 alleles (0.000062%); highest among the groups gnomAD compares: Non-Finnish European, 0.000085%; no homozygotes.

Submissions (3):

Myriad Genetics, Inc.
Classification: Benign for Rhabdoid tumor predisposition syndrome 2. Last evaluated: 2026-07-13. Review status: criteria provided, single submitter. Criteria: Myriad Autosomal Dominant, Autosomal Recessive and X-Linked Classification Criteria (2023). Collection method: clinical testing. Allele origin: unknown.
Comment: This variant is considered benign. This variant is a silent/synonymous amino acid change and it is not expected to impact splicing.

Labcorp Genetics (formerly Invitae), Labcorp
Classification: Likely benign for Rhabdoid tumor predisposition syndrome 2. Last evaluated: 2025-09-07. Review status: criteria provided, single submitter. Criteria: Invitae Variant Classification Sherloc (09022015). Collection method: clinical testing. Allele origin: germline.

Ambry Genetics
Classification: Likely benign for Hereditary cancer-predisposing syndrome. Last evaluated: 2016-01-26. Review status: criteria provided, single submitter. Criteria: Ambry Variant Classification Scheme 2023. Collection method: clinical testing. Allele origin: germline.

NM_003072.5(SMARCA4):c.2121T>C (p.Ile707=)

Gene: SMARCA4 (SWI/SNF related BAF chromatin remodeling complex subunit ATPase 4; plus strand). Cytogenetic location: 19p13.2.
Variant type: single nucleotide variant.
Coding change: c.2121T>C on transcript NM_003072.5 (MANE Select); coding-DNA position 2121, T replaced by C.
Protein change: p.Ile707=; no amino-acid change (isoleucine 707 retained).
Molecular consequence: synonymous variant. On other transcripts: non-coding transcript variant (1).
Genome position (GRCh38, 1-based): chr19:11,008,021, T>C. VCF-style: chr19-11008021-T-C. GRCh37 (hg19) VCF-style: chr19-11118697-T-C.
Other names: c.2121T>C, p.Ile707= (NM_001128844.3, NM_001128845.2, NM_001128846.2 and 5 more transcripts).
Identifiers: ClinVar variation 484876 (VCV000484876.17), dbSNP rs1555771694, ClinGen allele CA505486839.